The following is an entry in ClinVar:

ClinVar aggregate classification (germline): Uncertain significance (1 of 4 stars; one submission).

gnomAD v4.1: 6 of 1,614,228 alleles (0.00037%); highest among the groups gnomAD compares: South Asian, 0.0055%; no homozygotes.

Submission:

Labcorp Genetics (formerly Invitae), Labcorp
Classification: Uncertain significance. Last evaluated: 2025-10-19. Review status: criteria provided, single submitter. Criteria: Invitae Variant Classification Sherloc (09022015). Collection method: clinical testing. Allele origin: germline.
Comment: This sequence change replaces lysine, which is basic and polar, with arginine, which is basic and polar, at codon 235 of the ITGB3 protein (p.Lys235Arg). This variant is present in population databases (rs755511654, gnomAD 0.006%). This variant has not been reported in the literature in individuals affected with ITGB3-related conditions. Invitae Evidence Modeling of protein sequence and biophysical properties (such as structural, functional, and spatial information, amino acid conservation, physicochemical variation, residue mobility, and thermodynamic stability) has been performed for this missense variant. However, the output from this modeling did not meet the statistical confidence thresholds required to predict the impact of this variant on ITGB3 protein function. In summary, the available evidence is currently insufficient to determine the role of this variant in disease. Therefore, it has been classified as a Variant of Uncertain Significance.

NM_000212.3(ITGB3):c.704A>G (p.Lys235Arg)

Gene: ITGB3 (integrin subunit beta 3; plus strand). Cytogenetic location: 17q21.32.
Variant type: single nucleotide variant.
Coding change: c.704A>G on transcript NM_000212.3 (MANE Select); coding-DNA position 704, A replaced by G.
Protein change: p.Lys235Arg; replaces lysine 235 with arginine.
Molecular consequence: missense variant.
Genome position (GRCh38, 1-based): chr17:47,286,349, A>G. VCF-style: chr17-47286349-A-G. GRCh37 (hg19) VCF-style: chr17-45363715-A-G.
Other names: short protein forms K235R.
Identifiers: ClinVar variation 4692349 (VCV004692349.1).